The following is an entry in ClinVar:

NM_000096.4(CP):c.347C>A (p.Pro116His)

Gene: CP (ceruloplasmin; minus strand). Cytogenetic location: 3q25.1.
Variant type: single nucleotide variant.
Coding change: c.347C>A on transcript NM_000096.4 (MANE Select); coding-DNA position 347, C replaced by A.
Protein change: p.Pro116His; replaces proline 116 with histidine.
Molecular consequence: missense variant. On other transcripts: non-coding transcript variant (1).
Genome position (GRCh38, 1-based): chr3:149,212,498, G>T on the plus strand (C>A on the coding strand, the complement: CP is on the minus strand). VCF-style: chr3-149212498-G-T. GRCh37 (hg19) VCF-style: chr3-148930285-G-T.
Other names: p.Pro116His; short protein forms P116H.
Identifiers: ClinVar variation 343787 (VCV000343787.22), dbSNP rs73866999, ClinGen allele CA2661341.
Genomic context (GRCh38, chr3:149,212,498, plus strand): 5'-GAGCTGAACTTACCCTCATGTTCCTTATAGTAAGTTATTCCATGTGAATGAAAGGTGTAG[G>T]GCCTAGAGGCAAGGTTTTTTAAGTGTACATAAACTTTATCTCCAGTTTCAGCTTTGATAA-3'
Protein context (NP_000087.2, residues 106-126): YVHLKNLASR[Pro116His]YTFHSHGITY

ClinVar aggregate classification (germline): Benign/Likely benign. Review status: criteria provided, multiple submitters, no conflicts (2 of 4 stars). 5 submissions from 5 submitters: Benign (3); Likely benign (2). Last evaluated 2026-01-27.

Conditions:
Deficiency of ferroxidase (ACEP). Also called: Deficiency of ceruloplasmin; Ceruloplasmin deficiency; Familial apoceruloplasmin deficiency; Hereditary ceruloplasmin deficiency; NEURODEGENERATION WITH BRAIN IRON ACCUMULATION 10; Aceruloplasminemia. Identifiers: Orphanet 48818, MedGen C0878682, MONDO:0011426, OMIM 604290, HP:0025498.

Allele frequency attached by ClinVar (database versions not stated): gnomAD exomes 0.00053 and 0.00150; ExAC 0.00200; TOPMed 0.00632; 1000 Genomes Project 30x 0.00671; ESP Exome Variant Server 0.00707; 1000 Genomes Project 0.00719.
gnomAD v4.1: 1,676 of 1,613,804 alleles (0.1%); highest among the groups gnomAD compares: African/African-American, 2%; 19 homozygotes.

Submissions (5):

Labcorp Genetics (formerly Invitae), Labcorp
Classification: Benign for Deficiency of ferroxidase. Last evaluated: 2026-01-27. Review status: criteria provided, single submitter. Criteria: Invitae Variant Classification Sherloc (09022015). Collection method: clinical testing. Allele origin: germline.

Mayo Clinic Laboratories, Mayo Clinic
Classification: Benign. Last evaluated: 2024-11-04. Review status: criteria provided, single submitter. Criteria: ACMG Guidelines, 2015. Collection method: clinical testing. Allele origin: germline. Observed: 3 variant alleles.
Comment: BS1, BS2

GeneDx
Classification: Likely benign. Last evaluated: 2020-12-22. Review status: criteria provided, single submitter. Criteria: GeneDx Variant Classification Process June 2021. Collection method: clinical testing. Allele origin: germline. Affected: yes.

Illumina Laboratory Services, Illumina
Classification: Benign for Deficiency of ferroxidase. Last evaluated: 2018-01-13. Review status: criteria provided, single submitter. Criteria: ICSL Variant Classification Criteria 13 December 2019. Collection method: clinical testing. Allele origin: germline.
Comment: This variant was observed in the ICSL laboratory as part of a predisposition screen in an ostensibly healthy population. It had not been previously curated by ICSL or reported in the Human Gene Mutation Database (HGMD: prior to June 1st, 2018), and was therefore a candidate for classification through an automated scoring system. Utilizing variant allele frequency, disease prevalence and penetrance estimates, and inheritance mode, an automated score was calculated to assess if this variant is too frequent to cause the disease. Based on the score and internal cut-off values, a variant classified as benign is not then subjected to further curation. The score for this variant resulted in a classification of benign for this disease.

Breakthrough Genomics
Classification: Likely benign. Review status: criteria provided, single submitter. Criteria: ACMG Guidelines, 2015. Collection method: not provided. Allele origin: germline. Inheritance: Autosomal recessive inheritance. Affected: yes.